The following is an entry in ClinVar:

NM_004385.5(VCAN):c.1307T>C (p.Met436Thr)

Gene: VCAN (versican; plus strand). Cytogenetic location: 5q14.3.
Variant type: single nucleotide variant.
Coding change: c.1307T>C on transcript NM_004385.5 (MANE Select); coding-DNA position 1307, T replaced by C.
Protein change: p.Met436Thr; replaces methionine 436 with threonine.
Molecular consequence: missense variant. On other transcripts: intron variant (2).
Genome position (GRCh38, 1-based): chr5:83,519,613, T>C. VCF-style: chr5-83519613-T-C. GRCh37 (hg19) VCF-style: chr5-82815432-T-C.
Other names: c.1307T>C, p.Met436Thr (NM_001164098.2); c.1042+7217T>C (NM_001164097.2, NM_001126336.3); short protein forms M436T.
Identifiers: ClinVar variation 2997599 (VCV002997599.3), dbSNP rs773736745, ClinGen allele CA3332646.

ClinVar aggregate classification (germline): Uncertain significance (1 of 4 stars; one submission).

Allele frequency attached by ClinVar (database versions not stated): gnomAD exomes below 0.00001; gnomAD 0.00002; ExAC 0.00001; TOPMed 0.00003.
gnomAD v4.1: 7 of 1,614,046 alleles (0.00043%); highest among the groups gnomAD compares: African/African-American, 0.004%; no homozygotes.

Submission:

Labcorp Genetics (formerly Invitae), Labcorp
Classification: Uncertain significance. Last evaluated: 2025-10-08. Review status: criteria provided, single submitter. Criteria: Invitae Variant Classification Sherloc (09022015). Collection method: clinical testing. Allele origin: germline.
Comment: This sequence change replaces methionine, which is neutral and non-polar, with threonine, which is neutral and polar, at codon 436 of the VCAN protein (p.Met436Thr). This variant is present in population databases (rs773736745, gnomAD 0.004%). This variant has not been reported in the literature in individuals affected with VCAN-related conditions. ClinVar contains an entry for this variant (Variation ID: 2997599). An algorithm developed to predict the effect of missense changes on protein structure and function outputs the following: PolyPhen-2: "Benign". The threonine amino acid residue is found in multiple mammalian species, which suggests that this missense change does not adversely affect protein function. In summary, the available evidence is currently insufficient to determine the role of this variant in disease. Therefore, it has been classified as a Variant of Uncertain Significance.